The following is an entry in ClinVar:

NM_000074.3(CD40LG):c.562C>G (p.Pro188Ala)

Gene: CD40LG (CD40 ligand; plus strand). Cytogenetic location: Xq26.3.
Variant type: single nucleotide variant.
Coding change: c.562C>G on transcript NM_000074.3 (MANE Select); coding-DNA position 562, C replaced by G.
Protein change: p.Pro188Ala; replaces proline 188 with alanine.
Molecular consequence: missense variant.
Genome position (GRCh38, 1-based): chrX:136,659,191, C>G. VCF-style: chrX-136659191-C-G. GRCh37 (hg19) VCF-style: chrX-135741350-C-G.
Other names: short protein forms P188A.
Identifiers: ClinVar variation 942476 (VCV000942476.2), dbSNP rs1245452261, ClinGen allele CA414755887.

ClinVar aggregate classification (germline): Uncertain significance. Review status: criteria provided, multiple submitters, no conflicts (2 of 4 stars). 2 submissions from 2 submitters: Uncertain significance (2). Last evaluated 2025-06-24.

Conditions:
Inborn genetic diseases. Identifiers: MedGen C0950123, MeSH D030342.
Hyper-IgM syndrome type 1. Also called: CD40 Ligand Deficiency; X-linked hyper-IgM syndrome; Immunodeficiency, X-linked, with hyper-IgM; Hyper-IgM Immunodeficiency Syndrome, Type 1. Identifiers: Orphanet 101088, MedGen C0398689, MONDO:0010626, OMIM 308230.

Allele frequency attached by ClinVar (database versions not stated): gnomAD exomes 0.00001.

Submissions (2):

Ambry Genetics
Classification: Uncertain significance for Inborn genetic diseases. Last evaluated: 2025-06-24. Review status: criteria provided, single submitter. Criteria: Ambry Variant Classification Scheme 2023. Collection method: clinical testing. Allele origin: germline.

Labcorp Genetics (formerly Invitae), Labcorp
Classification: Uncertain significance for X-linked hyper-IgM syndrome. Last evaluated: 2019-09-19. Review status: criteria provided, single submitter. Criteria: Invitae Variant Classification Sherloc (09022015). Collection method: clinical testing. Allele origin: germline.
Comment: This sequence change replaces proline with alanine at codon 188 of the CD40LG protein (p.Pro188Ala). The proline residue is highly conserved and there is a small physicochemical difference between proline and alanine. This variant is not present in population databases (ExAC no frequency). This variant has not been reported in the literature in individuals with CD40LG-related conditions. Algorithms developed to predict the effect of missense changes on protein structure and function are either unavailable or do not agree on the potential impact of this missense change (SIFT: "Deleterious"; PolyPhen-2: "Benign"; Align-GVGD: "Class C25"). In summary, the available evidence is currently insufficient to determine the role of this variant in disease. Therefore, it has been classified as a Variant of Uncertain Significance.